The following is an entry in ClinVar:

ClinVar aggregate classification (germline): Pathogenic. Review status: criteria provided, multiple submitters, no conflicts (2 of 4 stars). 2 submissions from 2 submitters: Pathogenic (2). Last evaluated 2025-03-13.

Conditions:
Coffin-Siris syndrome 1 (CSS1). Also called: ARID1B-Related Coffin-Siris Syndrome; Mental retardation, autosomal dominant 12. Identifiers: Orphanet 1465, MedGen C3281201, MONDO:0007617, OMIM 135900. Disease mechanism: gain of function.

Submissions (2):

3billion
Classification: Pathogenic for Coffin-Siris syndrome 1. Last evaluated: 2025-03-13. Review status: criteria provided, single submitter. Criteria: ACMG Guidelines, 2015. Collection method: clinical testing. Allele origin: germline. Affected: yes.

Labcorp Genetics (formerly Invitae), Labcorp
Classification: Pathogenic. Last evaluated: 2022-08-23. Review status: criteria provided, single submitter. Criteria: Invitae Variant Classification Sherloc (09022015). Collection method: clinical testing. Allele origin: germline.
Comment: This variant is not present in population databases (gnomAD no frequency). This sequence change creates a premature translational stop signal (p.Gln1476*) in the ARID1B gene. It is expected to result in an absent or disrupted protein product. Loss-of-function variants in ARID1B are known to be pathogenic (PMID: 25674384, 30349098). This variant has not been reported in the literature in individuals affected with ARID1B-related conditions. For these reasons, this variant has been classified as Pathogenic.

Literature cited by the submitters: PubMed 25674384 (cited by Labcorp Genetics (formerly Invitae), Labcorp); PubMed 30349098 (cited by Labcorp Genetics (formerly Invitae), Labcorp).

NM_001374828.1(ARID1B):c.4795C>T (p.Gln1599Ter)

Gene: ARID1B (AT-rich interaction domain 1B; plus strand). Cytogenetic location: 6q25.3.
Variant type: single nucleotide variant.
Coding change: c.4795C>T on transcript NM_001374828.1 (MANE Select); coding-DNA position 4795, C replaced by T.
Protein change: p.Gln1599Ter; replaces glutamine 1599 with a stop codon.
Molecular consequence: nonsense.
Genome position (GRCh38, 1-based): chr6:157,201,020, C>T. VCF-style: chr6-157201020-C-T. GRCh37 (hg19) VCF-style: chr6-157522154-C-T.
Other names: c.4546C>T, p.Gln1516Ter (NM_001346813.1); c.2296C>T, p.Gln766Ter (NM_001363725.2); c.4675C>T, p.Gln1559Ter (NM_001371656.1, NM_001374820.1); c.4636C>T, p.Gln1546Ter (NM_017519.3); c.4426C>T, p.Gln1476Ter (NM_020732.3); c.4213C>T, p.Gln1405Ter (NM_175863.2); short protein forms Q1559*, Q1546*, Q766*, Q1516*, Q1476*, Q1405*, Q1599*.
Identifiers: ClinVar variation 2062420 (VCV002062420.5), dbSNP rs2538678370, ClinGen allele CA366241538.
Genomic context (GRCh38, chr6:157,201,020, plus strand): 5'-TCCAGTGAGGGGCCTCAGCAGAATATGTGGGCAGCACGCAATGATATGCCTTATCCCTAC[C>T]AGAACAGGCAGGGCCCTGGCGGCCCTACACAGGCGCCCCCTTACCCAGGCATGAACCGCA-3'